The following is an entry in ClinVar:

NM_000077.5(CDKN2A):c.107C>T (p.Ala36Val)

Gene: CDKN2A (cyclin dependent kinase inhibitor 2A; minus strand). Cytogenetic location: 9p21.3.
Variant type: single nucleotide variant.
Coding change: c.107C>T on transcript NM_000077.5; coding-DNA position 107, C replaced by T.
Protein change: p.Ala36Val; replaces alanine 36 with valine.
Molecular consequence: missense variant (on NM_000077.6). On other transcripts: intron variant (2).
Genome position (GRCh38, 1-based): chr9:21,974,721, G>A on the plus strand (C>T on the coding strand, the complement: CDKN2A is on the minus strand). VCF-style: chr9-21974721-G-A. GRCh37 (hg19) VCF-style: chr9-21974720-G-A.
Other names: c.107C>T, p.Ala36Val (NM_000077.6, NM_001195132.2, NM_058197.5); c.-3-3513C>T (NM_001363763.2); c.194-3513C>T (NM_058195.4); short protein forms A36V.
Identifiers: ClinVar variation 483324 (VCV000483324.20), dbSNP rs200382984, ClinGen allele CA373086553.
Genomic context (GRCh38, chr9:21,974,721, plus strand): 5'-GCAGACCCTCTACCCACCTGGATCGGCCTCCGACCGTAACTATTCGGTGCGTTGGGCAGC[G>A]CCCCCGCCTCCAGCAGCGCCCGCACCTCCTCTACCCGACCCCGGGCCGCGGCCGTGGCCA-3'
Protein context (NP_000068.1, residues 26-46): EEVRALLEAG[Ala36Val]LPNAPNSYGR

ClinVar aggregate classification (germline): Uncertain significance. Review status: criteria provided, multiple submitters, no conflicts (2 of 4 stars). 6 submissions from 6 submitters: Uncertain significance (6). Last evaluated 2025-09-12.

Conditions:
Melanoma and neural system tumor syndrome. Also called: MELANOMA-ASTROCYTOMA SYNDROME. Identifiers: Orphanet 252206, MedGen C1835042, MONDO:0007967, OMIM 155755.
Hereditary cancer-predisposing syndrome. Also called: Tumor predisposition; Hereditary Cancer Syndrome; Neoplastic Syndromes, Hereditary; Hereditary neoplastic syndrome. Identifiers: Orphanet 140162, MedGen C0027672, MeSH D009386, MONDO:0015356.
Familial melanoma. Also called: Hereditary melanoma; Hereditary cutaneous melanoma. Identifiers: Orphanet 618, MedGen C1512419, MONDO:0018961.

Allele frequency attached by ClinVar (database versions not stated): gnomAD exomes 0.00001.
gnomAD v4.1: 7 of 1,602,866 alleles (0.00044%); highest among the groups gnomAD compares: Non-Finnish European, 0.00051%; no homozygotes.

Submissions (6):

Ambry Genetics
Classification: Uncertain significance for Hereditary cancer-predisposing syndrome. Last evaluated: 2025-09-12. Review status: criteria provided, single submitter. Criteria: Ambry Variant Classification Scheme 2023. Collection method: clinical testing. Allele origin: germline.
Comment: The p.A36V variant (also known as c.107C>T), located in coding exon 1 of the CDKN2A gene, results from a C to T substitution at nucleotide position 107. The alanine at codon 36 is replaced by valine, an amino acid with similar properties. This amino acid position is not well conserved in available vertebrate species, and valine is the reference amino acid in several vertebrate species. In addition, this alteration is predicted to be tolerated by in silico analysis. Based on the available evidence, the clinical significance of this variant remains unclear.

Quest Diagnostics Nichols Institute San Juan Capistrano
Classification: Uncertain significance. Last evaluated: 2025-05-18. Review status: criteria provided, single submitter. Criteria: Quest Diagnostics criteria. Collection method: clinical testing. Allele origin: unknown.
Comment: The CDKN2A c.107C>T (p.Ala36Val) variant has been reported in the published literature in an individual with pediatric B-cell acute lymphoblastic leukemia (B-ALL) (PMID: 26104880 (2015)). One functional study reported this variant to result in reduced tumor suppressor activity (PMID: 34369425 (2022)). The frequency of this variant in the general population (Genome Aggregation Database) is uninformative in the assessment of its pathogenicity. Analysis of this variant using bioinformatics tools for the prediction of the effect of amino acid changes on protein structure and function yielded predictions that this variant is benign. Based on the available information, we are unable to determine the clinical significance of this variant.

Labcorp Genetics (formerly Invitae), Labcorp
Classification: Uncertain significance for Familial melanoma. Last evaluated: 2024-05-15. Review status: criteria provided, single submitter. Criteria: Invitae Variant Classification Sherloc (09022015). Collection method: clinical testing. Allele origin: germline.
Comment: This sequence change replaces alanine, which is neutral and non-polar, with valine, which is neutral and non-polar, at codon 36 of the CDKN2A (p16INK4a) protein (p.Ala36Val). This variant is present in population databases (no rsID available, gnomAD 0.001%). This missense change has been observed in individual(s) with childhood leukemia (PMID: 26104880). ClinVar contains an entry for this variant (Variation ID: 483324). Algorithms developed to predict the effect of missense changes on protein structure and function output the following: SIFT: "Not Available"; PolyPhen-2: "Benign"; Align-GVGD: "Not Available". The valine amino acid residue is found in multiple mammalian species, which suggests that this missense change does not adversely affect protein function. Experimental studies have shown that this missense change affects CDKN2A (p16INK4a) function (PMID: 34369425). In summary, the available evidence is currently insufficient to determine the role of this variant in disease. Therefore, it has been classified as a Variant of Uncertain Significance.

Baylor Genetics
Classification: Uncertain significance for Melanoma and neural system tumor syndrome. Last evaluated: 2024-03-01. Review status: criteria provided, single submitter. Criteria: ACMG Guidelines, 2015. Collection method: clinical testing. Allele origin: unknown.

Color Diagnostics, LLC DBA Color Health
Classification: Uncertain significance for Hereditary cancer-predisposing syndrome. Last evaluated: 2024-01-22. Review status: criteria provided, single submitter. Criteria: ACMG Guidelines, 2015. Collection method: clinical testing. Allele origin: germline.
Comment: The CDKN2A locus encodes two different gene products, p16INK4a and p14ARF. This missense variant replaces alanine with valine at codon 36 of the CDKN2A (p16INK4A) protein. Computational prediction suggests that this variant may not impact protein structure and function. A functional study suggested that this variant may reduce tumor suppression (PMID: 34369425). This variant has been reported in an individual affected with acute lymphoblastic leukaemia (PMID: 26104880). This variant has been identified in 1/226718 chromosomes in the general population by the Genome Aggregation Database (gnomAD). The available evidence is insufficient to determine the role of this variant in disease conclusively. Therefore, this variant is classified as a Variant of Uncertain Significance.

Blueprint Genetics
Classification: Uncertain significance. Last evaluated: 2023-08-24. Review status: criteria provided, single submitter. Criteria: ACMG Guidelines, 2015. Collection method: clinical testing. Allele origin: germline.

Literature cited by the submitters: PubMed 10398427 (cited by Ambry Genetics); PubMed 11595726 (cited by Ambry Genetics); PubMed 17055252 (cited by Ambry Genetics); PubMed 23190892 (cited by Ambry Genetics); PubMed 26104880 (cited by 4 submitters); PubMed 34369425 (cited by 3 submitters).